The following is an entry in ClinVar:

ClinVar aggregate classification (germline): Uncertain significance (1 of 4 stars; one submission).

Submission:

Labcorp Genetics (formerly Invitae), Labcorp
Classification: Uncertain significance. Last evaluated: 2025-01-06. Review status: criteria provided, single submitter. Criteria: Invitae Variant Classification Sherloc (09022015). Collection method: clinical testing. Allele origin: germline.
Comment: This sequence change replaces isoleucine, which is neutral and non-polar, with phenylalanine, which is neutral and non-polar, at codon 1394 of the SAMD9 protein (p.Ile1394Phe). This variant is not present in population databases (gnomAD no frequency). This variant has not been reported in the literature in individuals affected with SAMD9-related conditions. Invitae Evidence Modeling of protein sequence and biophysical properties (such as structural, functional, and spatial information, amino acid conservation, physicochemical variation, residue mobility, and thermodynamic stability) indicates that this missense variant is not expected to disrupt SAMD9 protein function with a negative predictive value of 95%. In summary, the available evidence is currently insufficient to determine the role of this variant in disease. Therefore, it has been classified as a Variant of Uncertain Significance.

NM_017654.4(SAMD9):c.4180A>T (p.Ile1394Phe)

Gene: SAMD9 (sterile alpha motif domain containing 9; minus strand). Cytogenetic location: 7q21.2.
Variant type: single nucleotide variant.
Coding change: c.4180A>T on transcript NM_017654.4 (MANE Select); coding-DNA position 4180, A replaced by T.
Protein change: p.Ile1394Phe; replaces isoleucine 1394 with phenylalanine.
Molecular consequence: missense variant.
Genome position (GRCh38, 1-based): chr7:93,101,918, T>A on the plus strand (A>T on the coding strand, the complement: SAMD9 is on the minus strand). VCF-style: chr7-93101918-T-A. GRCh37 (hg19) VCF-style: chr7-92731231-T-A.
Other names: c.4180A>T, p.Ile1394Phe (NM_001193307.2); short protein forms I1394F.
Identifiers: ClinVar variation 3672186 (VCV003672186.2).
Genomic context (GRCh38, chr7:93,101,918, plus strand): 5'-GATCTTTTAGTTTTTCAACTGGCTTTACTAATCTGGAGGTAGGTTGGATACAGGAGAGAA[T>A]AATGTTGGCCAAGATGAAATTTAGCTTTTCTTTTGACTGGATTTTGACAGTGCATTGTTC-3'
Protein context (NP_060124.2, residues 1384-1404): EKLNFILANI[Ile1394Phe]LSCIQPTSRL